The following is an entry in ClinVar:

ClinVar aggregate classification (germline): Pathogenic. Review status: criteria provided, single submitter (1 of 4 stars). 2 submissions from 2 submitters: Pathogenic (1). 1 of the submissions does not count toward it. Last evaluated 2022-03-19.

Conditions:
Tuberous sclerosis syndrome (TSC). Also called: Tuberous Sclerosis Complex; Tuberous sclerosis. Identifiers: Orphanet 805, MedGen C0041341, MONDO:0001734.
Tuberous sclerosis 2 (TSC2). Identifiers: Orphanet 805, MedGen C1860707, MONDO:0013199, OMIM 613254.

Submissions (2):

Labcorp Genetics (formerly Invitae), Labcorp
Classification: Pathogenic for Tuberous sclerosis 2. Last evaluated: 2022-03-19. Review status: criteria provided, single submitter. Criteria: Invitae Variant Classification Sherloc (09022015). Collection method: clinical testing. Allele origin: germline.
Comment: For these reasons, this variant has been classified as Pathogenic. Algorithms developed to predict the effect of sequence changes on RNA splicing suggest that this variant may disrupt the consensus splice site. ClinVar contains an entry for this variant (Variation ID: 50048). Disruption of this splice site has been observed in individuals with tuberous sclerosis complex (PMID: 16114042, 21520333). This variant is not present in population databases (gnomAD no frequency). This sequence change affects an acceptor splice site in intron 27 of the TSC2 gene. It is expected to disrupt RNA splicing. Variants that disrupt the donor or acceptor splice site typically lead to a loss of protein function (PMID: 16199547), and loss-of-function variants in TSC2 are known to be pathogenic (PMID: 10205261, 17304050).

Tuberous sclerosis database (TSC2)
No classification provided. Condition: TSC. Review status: no classification provided. Criteria: Tuberous Sclerosis Database Assertion Criteria 2015. Collection method: curation. Allele origin: germline. Affected: yes. Not counted in ClinVar's aggregate classification.

Literature cited by the submitters: PubMed 16114042 (cited by Labcorp Genetics (formerly Invitae), Labcorp); PubMed 21520333 (cited by Labcorp Genetics (formerly Invitae), Labcorp); PubMed 16199547 (cited by Labcorp Genetics (formerly Invitae), Labcorp); PubMed 10205261 (cited by Labcorp Genetics (formerly Invitae), Labcorp); PubMed 17304050 (cited by Labcorp Genetics (formerly Invitae), Labcorp).

NM_000548.5(TSC2):c.3132-2A>C

Gene: TSC2 (TSC complex subunit 2; plus strand). Cytogenetic location: 16p13.3.
Variant type: single nucleotide variant.
Coding change: c.3132-2A>C on transcript NM_000548.5 (MANE Select); the canonical splice acceptor site of the intron before coding-DNA position 3132, A replaced by C.
Molecular consequence: splice acceptor variant.
Genome position (GRCh38, 1-based): chr16:2,079,274, A>C. VCF-style: chr16-2079274-A-C. GRCh37 (hg19) VCF-style: chr16-2129275-A-C.
Other names: c.1659-2A>C (NM_001406693.1, NM_001406690.1, NM_001406692.1 and 1 more transcripts); c.3093-2A>C (NM_001406667.1); c.3090-2A>C (NM_001406668.1); c.2532-2A>C (NM_001406680.1, NM_001406683.1, NM_001406682.1); c.2400-2A>C (NM_001406687.1, NM_001318831.2, NM_001406688.1); c.1788-2A>C (NM_001406689.1); c.1656-2A>C (NM_001406691.1, NM_001406697.1, NM_001406695.1 and 1 more transcripts); c.1398-2A>C (NM_001406698.1); and 18 more.
Identifiers: ClinVar variation 50048 (VCV000050048.7), dbSNP rs45517282, ClinGen allele CA018628.
Genomic context (GRCh38, chr16:2,079,274, plus strand): 5'-GGGCTGGGCGGGCCTGCGGGAGCTCCACGGGCAAGCTGGGTTTCACGCTCCCTGTCTTCT[A>C]GGTCTCCTGTGGGCGAGTTCCTCCTAGCGGGTGGCAGGACCAAAACCTGGCTGGTTGGGA-3'